The following is an entry in ClinVar:

ClinVar aggregate classification (germline): Conflicting classifications of pathogenicity. Review status: criteria provided, conflicting classifications (1 of 4 stars). 2 submissions from 2 submitters: Likely pathogenic (1); Uncertain significance (1). Last evaluated 2024-03-01.

Conditions:
RYR1-related disorder. Also called: RYR1-related condition; RYR1-related disorders. Identifiers: MedGen CN239331.
Centronuclear myopathy (CNM). Also called: Centronuclear myopathy, congenital; Myotubular myopathy. Identifiers: Orphanet 595, MedGen C0175709, MONDO:0018947. Inheritance: All.

Allele frequency attached by ClinVar (database versions not stated): TOPMed below 0.00001; gnomAD exomes below 0.00001.
gnomAD v4.1: 5 of 1,552,924 alleles (0.00032%); highest among the groups gnomAD compares: East Asian, 0.0024%; no homozygotes.

Submissions (2):

Muscle and Diseases Team, Institut de Génétique et Biologie Moléculaire et Cellulaire
Classification: Likely pathogenic for Centronuclear myopathy. Last evaluated: 2024-03-01. Review status: criteria provided, single submitter. Criteria: ACMG Guidelines, 2015. Collection method: research. Allele origin: unknown. Affected: yes. Observed: 1 variant allele.
Comment: PM2+PM3+PP2+PP3

Labcorp Genetics (formerly Invitae), Labcorp
Classification: Uncertain significance for RYR1-related disorder. Last evaluated: 2022-04-22. Review status: criteria provided, single submitter. Criteria: Invitae Variant Classification Sherloc (09022015). Collection method: clinical testing. Allele origin: germline.
Comment: In summary, the available evidence is currently insufficient to determine the role of this variant in disease. Therefore, it has been classified as a Variant of Uncertain Significance. Advanced modeling of protein sequence and biophysical properties (such as structural, functional, and spatial information, amino acid conservation, physicochemical variation, residue mobility, and thermodynamic stability) performed at Invitae indicates that this missense variant is expected to disrupt RYR1 protein function. This missense change has been observed in individual(s) with centronuclear myopathy (PMID: 28818389). In at least one individual the data is consistent with being in trans (on the opposite chromosome) from a pathogenic variant. The frequency data for this variant in the population databases is considered unreliable, as metrics indicate poor data quality at this position in the gnomAD database. This sequence change replaces alanine, which is neutral and non-polar, with valine, which is neutral and non-polar, at codon 3204 of the RYR1 protein (p.Ala3204Val).

Literature cited by the submitters: DOI 10.1186/s13073-024-01353-0 (cited by Muscle and Diseases Team, Institut de Génétique et Biologie Moléculaire et Cellulaire); PubMed 28818389 (cited by Muscle and Diseases Team, Institut de Génétique et Biologie Moléculaire et Cellulaire and Labcorp Genetics (formerly Invitae), Labcorp).

NM_000540.3(RYR1):c.9611C>T (p.Ala3204Val)

Gene: RYR1 (ryanodine receptor 1; plus strand). Cytogenetic location: 19q13.2.
Variant type: single nucleotide variant.
Coding change: c.9611C>T on transcript NM_000540.3 (MANE Select); coding-DNA position 9611, C replaced by T.
Protein change: p.Ala3204Val; replaces alanine 3204 with valine.
Molecular consequence: missense variant.
Genome position (GRCh38, 1-based): chr19:38,516,143, C>T. VCF-style: chr19-38516143-C-T. GRCh37 (hg19) VCF-style: chr19-39006783-C-T.
Other names: c.9611C>T, p.Ala3204Val (NM_001042723.2); short protein forms A3204V.
Identifiers: ClinVar variation 2138289 (VCV002138289.6), dbSNP rs915594077, ClinGen allele CA308128912.